The following is an entry in ClinVar:

ClinVar aggregate classification (germline): Conflicting classifications of pathogenicity. Review status: criteria provided, conflicting classifications (1 of 4 stars). 2 submissions from 2 submitters: Likely pathogenic (1); Uncertain significance (1). Last evaluated 2026-06-01.

gnomAD v4.1: 2 of 1,614,052 alleles (0.00012%); highest among the groups gnomAD compares: Non-Finnish European, 0.00017%; no homozygotes.

Submissions (2):

CeGaT Center for Human Genetics Tuebingen
Classification: Likely pathogenic. Last evaluated: 2026-06-01. Review status: criteria provided, single submitter. Criteria: CeGaT Center For Human Genetics Tuebingen Variant Classification Criteria Version 2. Collection method: clinical testing. Allele origin: germline. Affected: yes. Observed: 1 variant allele.
Comment: GLI1: PVS1:Strong, PM2

Blueprint Genetics
Classification: Uncertain significance. Last evaluated: 2021-09-03. Review status: criteria provided, single submitter. Criteria: ACMG Guidelines, 2015. Collection method: clinical testing. Allele origin: germline.

NM_005269.3(GLI1):c.1859G>A (p.Trp620Ter)

Gene: GLI1 (GLI family zinc finger 1; plus strand). Cytogenetic location: 12q13.3.
Variant type: single nucleotide variant.
Coding change: c.1859G>A on transcript NM_005269.3 (MANE Select); coding-DNA position 1859, G replaced by A.
Protein change: p.Trp620Ter; replaces tryptophan 620 with a stop codon.
Molecular consequence: nonsense.
Genome position (GRCh38, 1-based): chr12:57,470,599, G>A. VCF-style: chr12-57470599-G-A. GRCh37 (hg19) VCF-style: chr12-57864382-G-A.
Other names: c.1475G>A, p.Trp492Ter (NM_001160045.2); c.1736G>A, p.Trp579Ter (NM_001167609.2); short protein forms W492*, W579*, W620*.
Identifiers: ClinVar variation 4873872 (VCV004873872.3).